The following is an entry in ClinVar:

NM_017777.4(MKS1):c.101C>T (p.Thr34Ile)

Gene: MKS1 (MKS transition zone complex subunit 1; minus strand). Cytogenetic location: 17q22.
Variant type: single nucleotide variant.
Coding change: c.101C>T on transcript NM_017777.4 (MANE Select); coding-DNA position 101, C replaced by T.
Protein change: p.Thr34Ile; replaces threonine 34 with isoleucine.
Molecular consequence: missense variant. On other transcripts: 5 prime UTR variant (1).
Genome position (GRCh38, 1-based): chr17:58,218,709, G>A on the plus strand (C>T on the coding strand, the complement: MKS1 is on the minus strand). VCF-style: chr17-58218709-G-A. GRCh37 (hg19) VCF-style: chr17-56296070-G-A.
Other names: c.-411C>T (NM_001321268.2); c.101C>T, p.Thr34Ile (NM_001321269.2, NM_001330397.2); short protein forms T34I.
Identifiers: ClinVar variation 578693 (VCV000578693.6), dbSNP rs759465861, ClinGen allele CA8669642.

ClinVar aggregate classification (germline): Uncertain significance. Review status: criteria provided, single submitter (1 of 4 stars). 2 submissions from 2 submitters: Uncertain significance (1). 1 of the submissions does not count toward it. Last evaluated 2022-09-27.

Conditions:
Meckel-Gruber syndrome. Also called: Dysencephalia splachnocystica; DYSENCEPHALIA SPLANCHNOCYSTICA; GRUBER SYNDROME. Identifiers: Orphanet 564, MedGen C0265215, MONDO:0018921.
Joubert syndrome. Also called: Familial aplasia of the vermis; CEREBELLOPARENCHYMAL DISORDER IV; JOUBERT-BOLTSHAUSER SYNDROME. Identifiers: Orphanet 475, MedGen C5979921, MONDO:0018772.
Meckel syndrome, type 1 (MKS1). Also called: MECKEL-GRUBER SYNDROME, TYPE 1. Identifiers: Orphanet 564, MedGen C3714506, MONDO:0009571, OMIM 249000.

Allele frequency attached by ClinVar (database versions not stated): gnomAD 0.00001; TOPMed 0.00001; ExAC 0.00002; gnomAD exomes 0.00002.

Submissions (2):

Labcorp Genetics (formerly Invitae), Labcorp
Classification: Uncertain significance for Joubert syndrome; Meckel-Gruber syndrome. Last evaluated: 2022-09-27. Review status: criteria provided, single submitter. Criteria: Invitae Variant Classification Sherloc (09022015). Collection method: clinical testing. Allele origin: germline.
Comment: This sequence change replaces threonine, which is neutral and polar, with isoleucine, which is neutral and non-polar, at codon 34 of the MKS1 protein (p.Thr34Ile). The frequency data for this variant in the population databases is considered unreliable, as metrics indicate poor data quality at this position in the gnomAD database. This variant has not been reported in the literature in individuals affected with MKS1-related conditions. ClinVar contains an entry for this variant (Variation ID: 578693). Advanced modeling of protein sequence and biophysical properties (such as structural, functional, and spatial information, amino acid conservation, physicochemical variation, residue mobility, and thermodynamic stability) performed at Invitae indicates that this missense variant is expected to disrupt MKS1 protein function. In summary, the available evidence is currently insufficient to determine the role of this variant in disease. Therefore, it has been classified as a Variant of Uncertain Significance.

Natera, Inc.
Classification: Uncertain significance for Meckel syndrome type 1. Last evaluated: 2019-11-11. Review status: no assertion criteria provided. Collection method: clinical testing. Allele origin: germline. Not counted in ClinVar's aggregate classification.